The following is an entry in ClinVar:

NM_018006.5(TRMU):c.653G>T (p.Ser218Ile)

Gene: TRMU (tRNA mitochondrial 2-thiouridylase; plus strand). Cytogenetic location: 22q13.31.
Variant type: single nucleotide variant.
Coding change: c.653G>T on transcript NM_018006.5 (MANE Select); coding-DNA position 653, G replaced by T.
Protein change: p.Ser218Ile; replaces serine 218 with isoleucine.
Molecular consequence: missense variant. On other transcripts: non-coding transcript variant (2).
Genome position (GRCh38, 1-based): chr22:46,352,122, G>T. VCF-style: chr22-46352122-G-T. GRCh37 (hg19) VCF-style: chr22-46748019-G-T.
Other names: c.311G>T, p.Ser104Ile (NM_001282782.2); c.233G>T, p.Ser78Ile (NM_001282783.2, NM_001282784.2); c.653G>T, p.Ser218Ile (NM_001282785.2); c.653G>T (NM_018006.4); short protein forms S104I, S218I, S78I.
Identifiers: ClinVar variation 807715 (VCV000807715.4), dbSNP rs1601977105, ClinGen allele CA411946110.

ClinVar aggregate classification (germline): Likely pathogenic. Review status: criteria provided, multiple submitters, no conflicts (2 of 4 stars). 2 submissions from 2 submitters: Likely pathogenic (2). Last evaluated 2025-11-10.

Conditions:
Acute infantile liver failure due to synthesis defect of mtDNA-encoded proteins. Also called: Liver failure acute infantile; LIVER FAILURE, INFANTILE, TRANSIENT; TRMU Deficiency. Identifiers: Orphanet 217371, MedGen C3278664, MONDO:0013111, OMIM 613070.

Submissions (2):

Natera, Inc.
Classification: Likely pathogenic for Acute infantile liver failure due to synthesis defect of mtDNA-encoded proteins. Last evaluated: 2025-11-10. Review status: criteria provided, single submitter. Criteria: Natera Variant Classification Schema (03/2026). Collection method: clinical testing. Allele origin: germline.
Comment: The c.653G>T variant in TRMU is a missense variant predicted to cause substitution of serine to isoleucine at amino acid 218. This variant is rare in the general population with a frequency below the threshold expected for the associated phenotype(s). This variant has been observed in one or more individuals affected with the associated recessive disease, as either homozygous or compound heterozygous with a second variant (PMID: 37976411). This variant has been identified in one or more affected individual with a phenotype highly consistent with the associated gene (PMID: 37976411). Computational prediction algorithms indicate this variant is likely to affect gene or protein function. Given the available evidence, this variant is classified as Likely Pathogenic.

Institute of Human Genetics Munich, TUM University Hospital
Classification: Likely pathogenic for Acute infantile liver failure due to synthesis defect of mtDNA-encoded proteins. Last evaluated: 2018-01-16. Review status: criteria provided, single submitter. Criteria: Classification criteria August 2017. Collection method: clinical testing. Allele origin: germline. Inheritance: Autosomal recessive inheritance. Affected: yes. Observed: 1 compound heterozygote.

Literature cited by the submitters: PubMed 37976411 (cited by Natera, Inc.).